The following is an entry in ClinVar:

ClinVar aggregate classification (germline): Uncertain significance. Review status: criteria provided, multiple submitters, no conflicts (2 of 4 stars). 5 submissions from 5 submitters: Uncertain significance (5). Last evaluated 2025-11-21.

Conditions:
Catecholaminergic polymorphic ventricular tachycardia (CVPT). Also called: Catecholamine-induced polymorphic ventricular tachycardia. Identifiers: Orphanet 3286, MedGen C5574922, MONDO:0017990.
Cardiovascular phenotype. Identifiers: MedGen CN230736.
Cardiomyopathy (CMYO). Also called: Cardiomyopathies. Identifiers: Orphanet 167848, MedGen C0878544, MONDO:0004994, HP:0001638. Inheritance: Various modes of inheritance.
Catecholaminergic polymorphic ventricular tachycardia 1. Also called: VENTRICULAR TACHYCARDIA, CATECHOLAMINERGIC POLYMORPHIC, 1, WITH OR WITHOUT ATRIAL DYSFUNCTION AND/OR DILATED CARDIOMYOPATHY; RYR2-Related Catecholaminergic Polymorphic Ventricular Tachycardia; VENTRICULAR TACHYCARDIA, STRESS-INDUCED POLYMORPHIC 1. Identifiers: Orphanet 3286, MedGen C1631597, MONDO:0011484, OMIM 604772.

Allele frequency attached by ClinVar (database versions not stated): gnomAD 0.00001; gnomAD exomes 0.00001 and 0.00002; TOPMed 0.00001.
gnomAD v4.1: 35 of 1,613,586 alleles (0.0022%); highest among the groups gnomAD compares: Non-Finnish European, 0.0028%; no homozygotes.

Submissions (5):

Labcorp Genetics (formerly Invitae), Labcorp
Classification: Uncertain significance for Catecholaminergic polymorphic ventricular tachycardia 1. Last evaluated: 2025-11-21. Review status: criteria provided, single submitter. Criteria: Invitae Variant Classification Sherloc (09022015). Collection method: clinical testing. Allele origin: germline.
Comment: This sequence change replaces proline, which is neutral and non-polar, with leucine, which is neutral and non-polar, at codon 294 of the RYR2 protein (p.Pro294Leu). This variant is present in population databases (rs750542606, gnomAD 0.002%). This variant has not been reported in the literature in individuals affected with RYR2-related conditions. ClinVar contains an entry for this variant (Variation ID: 923972). Invitae Evidence Modeling of protein sequence and biophysical properties (such as structural, functional, and spatial information, amino acid conservation, physicochemical variation, residue mobility, and thermodynamic stability) indicates that this missense variant is not expected to disrupt RYR2 protein function with a negative predictive value of 95%. In summary, the available evidence is currently insufficient to determine the role of this variant in disease. Therefore, it has been classified as a Variant of Uncertain Significance.

All of Us Research Program, National Institutes of Health
Classification: Uncertain significance for Catecholaminergic polymorphic ventricular tachycardia. Last evaluated: 2023-12-13. Review status: criteria provided, single submitter. Criteria: ACMG Guidelines, 2015. Collection method: clinical testing. Allele origin: germline. Inheritance: Autosomal dominant inheritance. Observed: 1 variant allele, 1 heterozygote.
Comment: This missense variant replaces proline with leucine at codon 294 of the RYR2 protein. Computational prediction is inconclusive regarding the impact of this variant on protein structure and function (internally defined REVEL score threshold 0.5 < inconclusive < 0.7, PMID: 27666373). To our knowledge, functional studies have not been reported for this variant. This variant has not been reported in individuals affected with RYR2-related disorders in the literature. This variant has been identified in 3/248854 chromosomes in the general population by the Genome Aggregation Database (gnomAD). The available evidence is insufficient to determine the role of this variant in disease conclusively. Therefore, this variant is classified as a Variant of Uncertain Significance.

This study involves interpretation of variants in research participants for the purpose of population health screening. Participant phenotype was not available at the time of variant classification. Additional details can be found in publication PMID: 35346344, PMCID: PMC8962531

Color Diagnostics, LLC DBA Color Health
Classification: Uncertain significance for Cardiomyopathy. Last evaluated: 2023-11-02. Review status: criteria provided, single submitter. Criteria: ACMG Guidelines, 2015. Collection method: clinical testing. Allele origin: germline.
Comment: This missense variant replaces proline with leucine at codon 294 of the RYR2 protein. Computational prediction is inconclusive regarding the impact of this variant on protein structure and function (internally defined REVEL score threshold 0.5 < inconclusive < 0.7, PMID: 27666373). To our knowledge, functional studies have not been reported for this variant. This variant has not been reported in individuals affected with RYR2-related disorders in the literature. This variant has been identified in 3/248854 chromosomes in the general population by the Genome Aggregation Database (gnomAD). The available evidence is insufficient to determine the role of this variant in disease conclusively. Therefore, this variant is classified as a Variant of Uncertain Significance.

AiLife Diagnostics
Classification: Uncertain significance. Last evaluated: 2022-02-08. Review status: criteria provided, single submitter. Criteria: ACMG Guidelines, 2015. Collection method: clinical testing. Allele origin: germline. Affected: yes. Observed: 2 variant alleles.

Ambry Genetics
Classification: Uncertain significance for Cardiovascular phenotype. Last evaluated: 2021-11-09. Review status: criteria provided, single submitter. Criteria: Ambry Variant Classification Scheme 2023. Collection method: clinical testing. Allele origin: germline.
Comment: The p.P294L variant (also known as c.881C>T), located in coding exon 12 of the RYR2 gene, results from a C to T substitution at nucleotide position 881. The proline at codon 294 is replaced by leucine, an amino acid with similar properties. This amino acid position is well conserved in available vertebrate species. In addition, this alteration is predicted to be deleterious by in silico analysis. Since supporting evidence is limited at this time, the clinical significance of this alteration remains unclear.

NM_001035.3(RYR2):c.881C>T (p.Pro294Leu)

Gene: RYR2 (ryanodine receptor 2; plus strand). Cytogenetic location: 1q43.
Variant type: single nucleotide variant.
Coding change: c.881C>T on transcript NM_001035.3 (MANE Select); coding-DNA position 881, C replaced by T.
Protein change: p.Pro294Leu; replaces proline 294 with leucine.
Molecular consequence: missense variant.
Genome position (GRCh38, 1-based): chr1:237,423,124, C>T. VCF-style: chr1-237423124-C-T. GRCh37 (hg19) VCF-style: chr1-237586424-C-T.
Other names: short protein forms P294L.
Identifiers: ClinVar variation 923972 (VCV000923972.18), dbSNP rs750542606, ClinGen allele CA39790968.